The following is an entry in ClinVar:

NM_001114753.3(ENG):c.561_564del (p.Ser187fs)

Gene: ENG (endoglin; minus strand). Cytogenetic location: 9q34.11.
Variant type: Microsatellite.
Coding change: c.561_564del on transcript NM_001114753.3 (MANE Select); coding-DNA positions 561 to 564, 4 bases deleted (CCAG; older notation c.561_564delCCAG).
Protein change: p.Ser187fs; shifts the reading frame from serine 187.
Molecular consequence: frameshift variant.
Genome position (GRCh38, 1-based): chr9:127,825,820-127,825,823, CTGG deleted on the plus strand (CCAG on the coding strand, the reverse complement: ENG is on the minus strand); deleting any 4 consecutive bases within chr9:127,825,820-127,825,829 gives the same sequence; the c. name uses the placement nearest the transcript's 3' end. VCF-style (leftmost placement, unchanged base first): chr9-127825819-CCTGG-C. GRCh37 (hg19) VCF-style: chr9-130588098-CCTGG-C.
Other names: c.15_18del, p.Ser5fs (NM_001278138.2); c.561_564del, p.Ser187fs (NM_001406715.1, NM_000118.4); short protein forms S187fs, S5fs.
Identifiers: ClinVar variation 5041963 (VCV005041963.1).

ClinVar aggregate classification (germline): Likely pathogenic (1 of 4 stars; one submission).

Conditions:
Telangiectasia, hereditary hemorrhagic, type 1 (HHT1). Also called: Osler Weber Rendu syndrome type 1; ENG-Related Hereditary Hemorrhagic Telangiectasia. Identifiers: Orphanet 774, MedGen C4551861, MONDO:0008535, OMIM 187300. Disease mechanism: loss of function.

Submission:

Medical Genetics Unit, Mauro Baschirotto Institute for Rare Disease
Classification: Likely pathogenic for Telangiectasia, hereditary hemorrhagic, type 1. Last evaluated: 2026-10-06. Review status: criteria provided, single submitter. Criteria: ACMG Guidelines, 2015. Collection method: clinical testing. Allele origin: germline. Affected: yes.
Comment: The ENG NM_001114753.3: c.561_564del (p.Ser187Argfs*34) variant is a frameshift variant introducing a premature termination codon and is predicted to result in loss of function of the encoded endoglin protein, likely through nonsense-mediated mRNA decay. Loss of function is an established disease mechanism for ENG-related hereditary hemorrhagic telangiectasia. The variant is absent from gnomAD (PM2). Although the patient has a clinically documented HHT phenotype, insufficient information is available to formally apply PP4. According to ACMG/AMP criteria, PVS1 and PM2 support a Likely Pathogenic classification.